The following is an entry in ClinVar:

NM_000455.5(STK11):c.528C>A (p.Asp176Glu)

Gene: STK11 (serine/threonine kinase 11; plus strand). Cytogenetic location: 19p13.3.
Variant type: single nucleotide variant.
Coding change: c.528C>A on transcript NM_000455.5 (MANE Select); coding-DNA position 528, C replaced by A.
Protein change: p.Asp176Glu; replaces aspartic acid 176 with glutamic acid.
Molecular consequence: missense variant.
Genome position (GRCh38, 1-based): chr19:1,220,436, C>A. VCF-style: chr19-1220436-C-A. GRCh37 (hg19) VCF-style: chr19-1220435-C-A.
Other names: short protein forms D176E.
Identifiers: ClinVar variation 581784 (VCV000581784.8), dbSNP rs876658393, ClinGen allele CA402949017.

ClinVar aggregate classification (germline): Uncertain significance (1 of 4 stars; one submission).

Conditions:
Peutz-Jeghers syndrome (PJS). Also called: POLYPOSIS, HAMARTOMATOUS INTESTINAL; POLYPS-AND-SPOTS SYNDROME; Peutz-Jeghers polyposis; Periorificial lentiginosis syndrome. Identifiers: Orphanet 2869, MedGen C0031269, MeSH D010580, MONDO:0008280, OMIM 175200.

Submission:

Labcorp Genetics (formerly Invitae), Labcorp
Classification: Uncertain significance for Peutz-Jeghers syndrome. Last evaluated: 2018-05-07. Review status: criteria provided, single submitter. Criteria: Invitae Variant Classification Sherloc (09022015). Collection method: clinical testing. Allele origin: germline.
Comment: This variant is not present in population databases (ExAC no frequency). This sequence change replaces aspartic acid with glutamic acid at codon 176 of the STK11 protein (p.Asp176Glu). The aspartic acid residue is highly conserved and there is a small physicochemical difference between aspartic acid and glutamic acid. This variant has not been reported in the literature in individuals with STK11-related disease. Algorithms developed to predict the effect of missense changes on protein structure and function (SIFT, PolyPhen-2, Align-GVGD) all suggest that this variant is likely to be disruptive, but these predictions have not been confirmed by published functional studies and their clinical significance is uncertain. The p.Asp176 amino acid residue in STK11 has been determined to be clinically significant (PMID: 9399902, 24652667, 24604241, 17924967, 837816, 10441497, 15987703). This suggests that variants that disrupt this residue are likely to be causative of disease. In summary, the available evidence is currently insufficient to determine the role of this variant in disease. Therefore, it has been classified as a Variant of Uncertain Significance.

Literature cited by the submitters: PubMed 9399902; PubMed 24652667; PubMed 24604241; PubMed 17924967; PubMed 837816; PubMed 10441497; PubMed 15987703.